The following is an entry in ClinVar:

ClinVar aggregate classification (germline): Uncertain significance (1 of 4 stars; one submission).

gnomAD v4.1: 25 of 1,606,090 alleles (0.0016%); highest among the groups gnomAD compares: East Asian, 0.0045%; no homozygotes.

Submission:

Labcorp Genetics (formerly Invitae), Labcorp
Classification: Uncertain significance. Last evaluated: 2025-05-27. Review status: criteria provided, single submitter. Criteria: Invitae Variant Classification Sherloc (09022015). Collection method: clinical testing. Allele origin: germline.
Comment: This sequence change replaces alanine, which is neutral and non-polar, with valine, which is neutral and non-polar, at codon 236 of the NLRP1 protein (p.Ala236Val). This variant is present in population databases (rs755871217, gnomAD 0.01%). This variant has not been reported in the literature in individuals affected with NLRP1-related conditions. An algorithm developed to predict the effect of missense changes on protein structure and function (PolyPhen-2) suggests that this variant is likely to be tolerated. In summary, the available evidence is currently insufficient to determine the role of this variant in disease. Therefore, it has been classified as a Variant of Uncertain Significance.

NM_033004.4(NLRP1):c.707C>T (p.Ala236Val)

Gene: NLRP1 (NLR family pyrin domain containing 1; minus strand). Cytogenetic location: 17p13.2.
Variant type: single nucleotide variant.
Coding change: c.707C>T on transcript NM_033004.4 (MANE Select); coding-DNA position 707, C replaced by T.
Protein change: p.Ala236Val; replaces alanine 236 with valine.
Molecular consequence: missense variant.
Genome position (GRCh38, 1-based): chr17:5,559,989, G>A on the plus strand (C>T on the coding strand, the complement: NLRP1 is on the minus strand). VCF-style: chr17-5559989-G-A. GRCh37 (hg19) VCF-style: chr17-5463309-G-A.
Other names: c.707C>T, p.Ala236Val (NM_001033053.3, NM_014922.5, NM_033006.4 and 1 more transcripts); short protein forms A236V.
Identifiers: ClinVar variation 4755165 (VCV004755165.1).